The following is an entry in ClinVar:

NM_014017.4(LAMTOR2):c.238C>T (p.Arg80Cys)

Gene: LAMTOR2 (late endosomal/lysosomal adaptor, MAPK and MTOR activator 2; plus strand). Cytogenetic location: 1q22.
Variant type: single nucleotide variant.
Coding change: c.238C>T on transcript NM_014017.4 (MANE Select); coding-DNA position 238, C replaced by T.
Protein change: p.Arg80Cys; replaces arginine 80 with cysteine.
Molecular consequence: missense variant. On other transcripts: intron variant (1).
Genome position (GRCh38, 1-based): chr1:156,057,984, C>T. VCF-style: chr1-156057984-C-T. GRCh37 (hg19) VCF-style: chr1-156027775-C-T.
Other names: c.232-331C>T (NM_001145264.2); short protein forms R80C.
Identifiers: ClinVar variation 1443785 (VCV001443785.8), dbSNP rs140632811, ClinGen allele CA30984695.
Genomic context (GRCh38, chr1:156,057,984, plus strand): 5'-GGGTGCTAAGGGTGCCAAGCAGAACATCACATCCCATCATATCACCCCCACCAGGAGGGC[C>T]GTGTAGCCATCACCCGAGTGGCCAACCTTCTGCTGTGTATGTATGCCAAGGAGACCGTGG-3'
Protein context (NP_054736.1, residues 70-90): KFILMDCMEG[Arg80Cys]VAITRVANLL

ClinVar aggregate classification (germline): Uncertain significance (1 of 4 stars; one submission).

Allele frequency attached by ClinVar (database versions not stated): gnomAD exomes below 0.00001 and 0.00001; ESP Exome Variant Server 0.00008.
gnomAD v4.1: 6 of 1,614,074 alleles (0.00037%); highest among the groups gnomAD compares: African/African-American, 0.0013%; no homozygotes.

Submission:

Labcorp Genetics (formerly Invitae), Labcorp
Classification: Uncertain significance. Last evaluated: 2025-04-02. Review status: criteria provided, single submitter. Criteria: Invitae Variant Classification Sherloc (09022015). Collection method: clinical testing. Allele origin: germline.
Comment: This sequence change replaces arginine, which is basic and polar, with cysteine, which is neutral and slightly polar, at codon 80 of the LAMTOR2 protein (p.Arg80Cys). This variant is present in population databases (rs140632811, gnomAD 0.004%). This variant has not been reported in the literature in individuals affected with LAMTOR2-related conditions. ClinVar contains an entry for this variant (Variation ID: 1443785). An algorithm developed to predict the effect of missense changes on protein structure and function (PolyPhen-2) suggests that this variant is likely to be tolerated. In summary, the available evidence is currently insufficient to determine the role of this variant in disease. Therefore, it has been classified as a Variant of Uncertain Significance.